The following is an entry in ClinVar:

ClinVar aggregate classification (germline): Uncertain significance (1 of 4 stars; one submission).

Conditions:
Periodic fever-infantile enterocolitis-autoinflammatory syndrome. Also called: Autoinflammation with infantile enterocolitis. Identifiers: Orphanet 436166, MedGen C4015067, MONDO:0014472, OMIM 616050.
Familial cold autoinflammatory syndrome 4 (FCAS4). Identifiers: Orphanet 47045, Orphanet 576349, MedGen C4015276, MONDO:0014498, OMIM 616115.

Allele frequency attached by ClinVar (database versions not stated): gnomAD exomes below 0.00001; TOPMed below 0.00001.
gnomAD v4.1: 3 of 1,614,190 alleles (0.00019%); highest among the groups gnomAD compares: Non-Finnish European, 0.00025%; no homozygotes.

Submission:

Labcorp Genetics (formerly Invitae), Labcorp
Classification: Uncertain significance for Periodic fever-infantile enterocolitis-autoinflammatory syndrome; Familial cold autoinflammatory syndrome 4. Last evaluated: 2024-08-07. Review status: criteria provided, single submitter. Criteria: Invitae Variant Classification Sherloc (09022015). Collection method: clinical testing. Allele origin: germline.
Comment: This sequence change replaces phenylalanine, which is neutral and non-polar, with leucine, which is neutral and non-polar, at codon 441 of the NLRC4 protein (p.Phe441Leu). This variant is not present in population databases (gnomAD no frequency). This variant has not been reported in the literature in individuals affected with NLRC4-related conditions. ClinVar contains an entry for this variant (Variation ID: 2417825). Advanced modeling of protein sequence and biophysical properties (such as structural, functional, and spatial information, amino acid conservation, physicochemical variation, residue mobility, and thermodynamic stability) performed at Invitae indicates that this missense variant is expected to disrupt NLRC4 protein function with a positive predictive value of 80%. In summary, the available evidence is currently insufficient to determine the role of this variant in disease. Therefore, it has been classified as a Variant of Uncertain Significance.

NM_001199138.2(NLRC4):c.1321T>C (p.Phe441Leu)

Gene: NLRC4 (NLR family CARD domain containing 4; minus strand). Cytogenetic location: 2p22.3.
Variant type: single nucleotide variant.
Coding change: c.1321T>C on transcript NM_001199138.2 (MANE Select); coding-DNA position 1321, T replaced by C.
Protein change: p.Phe441Leu; replaces phenylalanine 441 with leucine.
Molecular consequence: missense variant. On other transcripts: intron variant (1).
Genome position (GRCh38, 1-based): chr2:32,250,543, A>G on the plus strand (T>C on the coding strand, the complement: NLRC4 is on the minus strand). VCF-style: chr2-32250543-A-G. GRCh37 (hg19) VCF-style: chr2-32475612-A-G.
Other names: c.1321T>C, p.Phe441Leu (NM_001199139.2, NM_021209.5); c.262+1876T>C (NM_001302504.1); short protein forms F441L.
Identifiers: ClinVar variation 2417825 (VCV002417825.6), dbSNP rs1016994681, ClinGen allele CA44752639.
Genomic context (GRCh38, chr2:32,250,543, plus strand): 5'-ACGTCAATAAACTGCTGAGTCTTCGTCCTGCTGTGTACTCCTGGAATGACTTGTGAAAGA[A>G]TTTATACTTTGGCTTGAACCTTTGAGCTGTATATTTACAGAGGAGCCCAGTTGTCAGCAG-3'
Protein context (NP_001186067.1, residues 431-451): TAQRFKPKYK[Phe441Leu]FHKSFQEYTA